The following is an entry in ClinVar:

ClinVar aggregate classification (germline): Uncertain significance (1 of 4 stars; one submission).

Conditions:
Brugada syndrome. Also called: Sudden unexpected nocturnal death syndrome; Sudden Unexplained Death Syndrome; Sudden Unexplained Nocturnal Death Syndrome (SUNDS); Sudden unexplained nocturnal death syndrome. Identifiers: Orphanet 130, MedGen C1142166, MONDO:0015263.

Allele frequency attached by ClinVar (database versions not stated): gnomAD 0.00001; TOPMed 0.00001; gnomAD exomes 0.00004 and 0.00007; ExAC 0.00007.
gnomAD v4.1: 66 of 1,614,026 alleles (0.0041%); highest among the groups gnomAD compares: South Asian, 0.067%; no homozygotes.

Submission:

Labcorp Genetics (formerly Invitae), Labcorp
Classification: Uncertain significance for Brugada syndrome. Last evaluated: 2021-08-21. Review status: criteria provided, single submitter. Criteria: Invitae Variant Classification Sherloc (09022015). Collection method: clinical testing. Allele origin: germline.
Comment: In summary, the available evidence is currently insufficient to determine the role of this variant in disease. Therefore, it has been classified as a Variant of Uncertain Significance. Algorithms developed to predict the effect of missense changes on protein structure and function are either unavailable or do not agree on the potential impact of this missense change (SIFT: "Deleterious"; PolyPhen-2: "Benign"; Align-GVGD: "Class C0"). This variant has not been reported in the literature in individuals affected with SLMAP-related conditions. This variant is present in population databases (rs767298958, ExAC 0.05%). This sequence change replaces arginine with cysteine at codon 11 of the SLMAP protein (p.Arg11Cys). The arginine residue is moderately conserved and there is a large physicochemical difference between arginine and cysteine.

NM_001377540.1(SLMAP):c.31C>T (p.Arg11Cys)

Gene: SLMAP (sarcolemma associated protein; plus strand). Cytogenetic location: 3p14.3.
Variant type: single nucleotide variant.
Coding change: c.31C>T on transcript NM_001377540.1 (MANE Select); coding-DNA position 31, C replaced by T.
Protein change: p.Arg11Cys; replaces arginine 11 with cysteine.
Molecular consequence: missense variant. On other transcripts: non-coding transcript variant (1).
Genome position (GRCh38, 1-based): chr3:57,757,682, C>T. VCF-style: chr3-57757682-C-T. GRCh37 (hg19) VCF-style: chr3-57743409-C-T.
Other names: c.31C>T, p.Arg11Cys (NM_001304420.3, NM_001304421.2, NM_001377538.1 and 17 more transcripts); short protein forms R11C.
Identifiers: ClinVar variation 1472633 (VCV001472633.6), dbSNP rs767298958, ClinGen allele CA2466702.